The following is an entry in ClinVar:

ClinVar aggregate classification (germline): Uncertain significance (1 of 4 stars; one submission).

Conditions:
Hereditary cancer-predisposing syndrome. Also called: Tumor predisposition; Hereditary Cancer Syndrome; Hereditary neoplastic syndrome; Neoplastic Syndromes, Hereditary. Identifiers: Orphanet 140162, MedGen C0027672, MeSH D009386, MONDO:0015356.

Submission:

Ambry Genetics
Classification: Uncertain significance for Hereditary cancer-predisposing syndrome. Last evaluated: 2024-05-26. Review status: criteria provided, single submitter. Criteria: Ambry Variant Classification Scheme 2023. Collection method: clinical testing. Allele origin: germline.
Comment: The p.D211V variant (also known as c.632A>T), located in coding exon 6 of the EPCAM gene, results from an A to T substitution at nucleotide position 632. The aspartic acid at codon 211 is replaced by valine, an amino acid with highly dissimilar properties. This amino acid position is conserved. In addition, this alteration is predicted to be deleterious by in silico analysis. Based on the available evidence, the clinical significance of this variant remains unclear.

NM_002354.3(EPCAM):c.632A>T (p.Asp211Val)

Gene: EPCAM (epithelial cell adhesion molecule; plus strand). Cytogenetic location: 2p21.
Variant type: single nucleotide variant.
Coding change: c.632A>T on transcript NM_002354.3 (MANE Select); coding-DNA position 632, A replaced by T.
Protein change: p.Asp211Val; replaces aspartic acid 211 with valine.
Molecular consequence: missense variant.
Genome position (GRCh38, 1-based): chr2:47,379,029, A>T. VCF-style: chr2-47379029-A-T. GRCh37 (hg19) VCF-style: chr2-47606168-A-T.
Other names: short protein forms D211V.
Identifiers: ClinVar variation 3275849 (VCV003275849.1).